The following is an entry in ClinVar:

NM_007078.3(LDB3):c.1867C>A (p.His623Asn)

Gene: LDB3 (LIM domain binding 3; plus strand). Cytogenetic location: 10q23.2.
Variant type: single nucleotide variant.
Coding change: c.1867C>A on transcript NM_007078.3 (MANE Select); coding-DNA position 1867, C replaced by A.
Protein change: p.His623Asn; replaces histidine 623 with asparagine.
Molecular consequence: missense variant.
Genome position (GRCh38, 1-based): chr10:86,718,736, C>A. VCF-style: chr10-86718736-C-A. GRCh37 (hg19) VCF-style: chr10-88478493-C-A.
Other names: c.1537C>A, p.His513Asn (NM_001080114.2); c.1882C>A, p.His628Asn (NM_001171610.2); c.1678C>A, p.His560Asn (NM_001368064.1, NM_001368065.1); c.1726C>A, p.His576Asn (NM_001368066.1); short protein forms H513N, H623N, H628N, H560N, H576N.
Identifiers: ClinVar variation 2075431 (VCV002075431.6), dbSNP rs979678679, ClinGen allele CA211209861.

ClinVar aggregate classification (germline): Uncertain significance. Review status: criteria provided, multiple submitters, no conflicts (2 of 4 stars). 3 submissions from 3 submitters: Uncertain significance (3). Last evaluated 2024-12-17.

Conditions:
Cardiovascular phenotype. Identifiers: MedGen CN230736.
Myofibrillar myopathy 4. Also called: Zaspopathy (type). Identifiers: Orphanet 98912, MedGen C4721886, MONDO:0012277, OMIM 609452.

Allele frequency attached by ClinVar (database versions not stated): TOPMed 0.00001.
gnomAD v4.1: 6 of 1,614,088 alleles (0.00037%); highest among the groups gnomAD compares: Non-Finnish European, 0.00042%; no homozygotes.

Submissions (3):

Women's Health and Genetics/Laboratory Corporation of America, LabCorp
Classification: Uncertain significance. Last evaluated: 2024-12-17. Review status: criteria provided, single submitter. Criteria: LabCorp Variant Classification Summary - May 2015. Collection method: clinical testing. Allele origin: germline.
Comment: Variant summary: LDB3 c.1867C>A (p.His623Asn) results in a conservative amino acid change located in the LIM domain profile (IPR001781) of the encoded protein sequence. Four of five in-silico tools predict a benign effect of the variant on protein function. The variant allele was found at a frequency of 4e-06 in 251470 control chromosomes. The available data on variant occurrences in the general population are insufficient to allow any conclusion about variant significance. To our knowledge, no occurrence of c.1867C>A in individuals affected with Hypertrophic Cardiomyopathy and no experimental evidence demonstrating its impact on protein function have been reported. ClinVar contains an entry for this variant (Variation ID: 2075431). Based on the evidence outlined above, the variant was classified as uncertain significance.

Ambry Genetics
Classification: Uncertain significance for Cardiovascular phenotype. Last evaluated: 2024-11-30. Review status: criteria provided, single submitter. Criteria: Ambry Variant Classification Scheme 2023. Collection method: clinical testing. Allele origin: germline.
Comment: The p.H623N variant (also known as c.1867C>A), located in coding exon 11 of the LDB3 gene, results from a C to A substitution at nucleotide position 1867. The histidine at codon 623 is replaced by asparagine, an amino acid with similar properties. This amino acid position is conserved. In addition, the in silico prediction for this alteration is inconclusive. Based on the available evidence, the clinical significance of this variant remains unclear.

Labcorp Genetics (formerly Invitae), Labcorp
Classification: Uncertain significance for Myofibrillar myopathy 4. Last evaluated: 2024-11-11. Review status: criteria provided, single submitter. Criteria: Invitae Variant Classification Sherloc (09022015). Collection method: clinical testing. Allele origin: germline.
Comment: The LDB3 gene has multiple clinically relevant transcripts. This variant occurs in alternate transcript NM_007078.3, and corresponds to NM_001080116.1:c.*19362C>A in the primary transcript. This sequence change replaces histidine, which is basic and polar, with asparagine, which is neutral and polar, at codon 623 of the LDB3 protein (p.His623Asn). This variant is present in population databases (no rsID available, gnomAD 0.0009%). This variant has not been reported in the literature in individuals affected with LDB3-related conditions. Experimental studies and prediction algorithms are not available or were not evaluated, and the functional significance of this variant is currently unknown. In summary, the available evidence is currently insufficient to determine the role of this variant in disease. Therefore, it has been classified as a Variant of Uncertain Significance.